The following is an entry in ClinVar:

NM_000059.4(BRCA2):c.8997_8998del (p.Leu3000fs)

Gene: BRCA2 (BRCA2 DNA repair associated; plus strand). Cytogenetic location: 13q13.1.
Variant type: Deletion.
Coding change: c.8997_8998del on transcript NM_000059.4 (MANE Select); coding-DNA positions 8997 to 8998, 2 bases deleted (GT; older notation c.8997_8998delGT).
Protein change: p.Leu3000fs; shifts the reading frame from leucine 3000.
Molecular consequence: frameshift variant.
Genome position (GRCh38, 1-based): chr13:32,379,793-32,379,794, GT deleted; deleting any 2 consecutive bases within chr13:32,379,792-32,379,794 gives the same sequence; the c. name uses the placement nearest the transcript's 3' end. VCF-style (leftmost placement, unchanged base first): chr13-32379791-CTG-C. GRCh37 (hg19) VCF-style: chr13-32953928-CTG-C.
Other names: c.8997_8998delGT (NM_000059.3); short protein forms L3000fs.
Identifiers: ClinVar variation 2774961 (VCV002774961.3), dbSNP rs2072908460, ClinGen allele CA954700042.

ClinVar aggregate classification (germline): Pathogenic. Review status: criteria provided, multiple submitters, no conflicts (2 of 4 stars). 2 submissions from 2 submitters: Pathogenic (2). Last evaluated 2025-03-04.

Conditions:
Hereditary cancer-predisposing syndrome. Also called: Neoplastic Syndromes, Hereditary; Tumor predisposition; Hereditary Cancer Syndrome; Hereditary neoplastic syndrome. Identifiers: Orphanet 140162, MedGen C0027672, MeSH D009386, MONDO:0015356.

Submissions (2):

Ambry Genetics
Classification: Pathogenic for Hereditary cancer-predisposing syndrome. Last evaluated: 2025-03-04. Review status: criteria provided, single submitter. Criteria: Ambry Variant Classification Scheme 2023. Collection method: clinical testing. Allele origin: germline.
Comment: The c.8997_8998delGT pathogenic mutation, located in coding exon 22 of the BRCA2 gene, results from a deletion of two nucleotides at nucleotide positions 8997 to 8998, causing a translational frameshift with a predicted alternate stop codon (p.L3000Nfs*17). This variant is considered to be rare based on population cohorts in the Genome Aggregation Database (gnomAD). This alteration is expected to result in loss of function by premature protein truncation or nonsense-mediated mRNA decay. As such, this alteration is interpreted as a disease-causing mutation.

Color Diagnostics, LLC DBA Color Health
Classification: Pathogenic for Hereditary cancer-predisposing syndrome. Last evaluated: 2021-10-19. Review status: criteria provided, single submitter. Criteria: ACMG Guidelines, 2015. Collection method: clinical testing. Allele origin: germline.
Comment: This variant deletes 2 nucleotides in exon 23 of the BRCA2 gene, creating a frameshift and premature translation stop signal. This variant is expected to result in an absent or non-functional protein product. This variant has been reported in an individual affected with breast cancer (PMID: 29625052). This variant has not been identified in the general population by the Genome Aggregation Database (gnomAD). Loss of BRCA2 function is a known mechanism of disease. Based on the available evidence, this variant is classified as Pathogenic.

Literature cited by the submitters: PubMed 29625052 (cited by Color Diagnostics, LLC DBA Color Health).